The following is an entry in ClinVar:

ClinVar aggregate classification (germline): Uncertain significance (1 of 4 stars; one submission).

Conditions:
Retinoblastoma (RB1). Also called: RETINOBLASTOMA, SOMATIC. Identifiers: Orphanet 790, MedGen C0035335, MeSH D012175, MONDO:0008380, OMIM 180200, HP:0009919. Disease mechanism: loss of function. Inheritance: Both sporadic and heritable forms are tested..

Submission:

Labcorp Genetics (formerly Invitae), Labcorp
Classification: Uncertain significance for Retinoblastoma. Last evaluated: 2022-12-04. Review status: criteria provided, single submitter. Criteria: Invitae Variant Classification Sherloc (09022015). Collection method: clinical testing. Allele origin: germline.
Comment: In summary, the available evidence is currently insufficient to determine the role of this variant in disease. Therefore, it has been classified as a Variant of Uncertain Significance. Advanced modeling of protein sequence and biophysical properties (such as structural, functional, and spatial information, amino acid conservation, physicochemical variation, residue mobility, and thermodynamic stability) performed at Invitae indicates that this missense variant is not expected to disrupt RB1 protein function. This variant has not been reported in the literature in individuals affected with RB1-related conditions. This variant is not present in population databases (gnomAD no frequency). This sequence change replaces arginine, which is basic and polar, with glycine, which is neutral and non-polar, at codon 544 of the RB1 protein (p.Arg544Gly).

NM_000321.3(RB1):c.1630A>G (p.Arg544Gly)

Gene: RB1 (RB transcriptional corepressor 1; plus strand). Cytogenetic location: 13q14.2.
Variant type: single nucleotide variant.
Coding change: c.1630A>G on transcript NM_000321.3 (MANE Select); coding-DNA position 1630, A replaced by G.
Protein change: p.Arg544Gly; replaces arginine 544 with glycine.
Molecular consequence: missense variant.
Genome position (GRCh38, 1-based): chr13:48,381,378, A>G. VCF-style: chr13-48381378-A-G. GRCh37 (hg19) VCF-style: chr13-48955514-A-G.
Other names: c.1630A>G, p.Arg544Gly (NM_001407165.1, NM_001407166.1); short protein forms R544G.
Identifiers: ClinVar variation 2818671 (VCV002818671.3), dbSNP rs2138145507, ClinGen allele CA388163828.